The following is an entry in ClinVar:

ClinVar aggregate classification (germline): Likely benign (0 of 4 stars; one submission).

Conditions:
NLRP2-related disorder. Also called: NLRP2-related condition.

Allele frequency attached by ClinVar (database versions not stated): TOPMed 0.00053; ESP Exome Variant Server 0.00069; gnomAD 0.00079; gnomAD exomes 0.00145; ExAC 0.00213; 1000 Genomes Project 30x 0.00297; 1000 Genomes Project 0.00300.
gnomAD v4.1: 2,237 of 1,614,150 alleles (0.14%); highest among the groups gnomAD compares: South Asian, 1.1%; 25 homozygotes.

Submission:

PreventionGenetics, part of Exact Sciences
Classification: Likely benign for NLRP2-related condition. Last evaluated: 2020-05-11. Review status: no assertion criteria provided. Collection method: clinical testing. Allele origin: germline.
Comment: This variant is classified as likely benign based on ACMG/AMP sequence variant interpretation guidelines (Richards et al. 2015 PMID: 25741868, with internal and published modifications).

NM_017852.5(NLRP2):c.1736C>T (p.Pro579Leu)

Gene: NLRP2 (NLR family pyrin domain containing 2; plus strand). Cytogenetic location: 19q13.42.
Variant type: single nucleotide variant.
Coding change: c.1736C>T on transcript NM_017852.5 (MANE Select); coding-DNA position 1736, C replaced by T.
Protein change: p.Pro579Leu; replaces proline 579 with leucine.
Molecular consequence: missense variant. On other transcripts: non-coding transcript variant (1).
Genome position (GRCh38, 1-based): chr19:54,983,434, C>T. VCF-style: chr19-54983434-C-T. GRCh37 (hg19) VCF-style: chr19-55494802-C-T.
Other names: c.1736C>T, p.Pro579Leu (NM_001174081.3); c.1670C>T, p.Pro557Leu (NM_001174082.3); c.1667C>T, p.Pro556Leu (NM_001174083.2); c.1727C>T, p.Pro576Leu (NM_001348003.2); short protein forms P556L, P557L, P576L, P579L.
Identifiers: ClinVar variation 3038896 (VCV003038896.2), dbSNP rs149897717, ClinGen allele CA310105441.